The following is an entry in ClinVar:

NM_001127222.2(CACNA1A):c.3857T>C (p.Val1286Ala)

Gene: CACNA1A (calcium voltage-gated channel subunit alpha1 A; minus strand). Cytogenetic location: 19p13.13.
Variant type: single nucleotide variant.
Coding change: c.3857T>C on transcript NM_001127222.2 (MANE Select); coding-DNA position 3857, T replaced by C.
Protein change: p.Val1286Ala; replaces valine 1286 with alanine.
Molecular consequence: missense variant.
Genome position (GRCh38, 1-based): chr19:13,277,094, A>G on the plus strand (T>C on the coding strand, the complement: CACNA1A is on the minus strand). VCF-style: chr19-13277094-A-G. GRCh37 (hg19) VCF-style: chr19-13387908-A-G.
Other names: c.3869T>C, p.Val1290Ala (NM_000068.4, NM_023035.3); c.3860T>C, p.Val1287Ala (NM_001127221.2, NM_001174080.2); short protein forms V1287A, V1286A, V1290A.
Identifiers: ClinVar variation 4790916 (VCV004790916.1).
Genomic context (GRCh38, chr19:13,277,094, plus strand): 5'-ATTACCGTGTGTTCTCACTTATAATCTGCACTCACCTTGATCACCATCTCAAAGGTAAAG[A>G]CGCCTGTAAAAACGTAGTCAAAGTATCGCAGCACCTGTAAGGGATAAAAGCAAGAGAGCA-3'
Protein context (NP_001120694.1, residues 1276-1296): LRYFDYVFTG[Val1286Ala]FTFEMVIKMI

ClinVar aggregate classification (germline): Uncertain significance (1 of 4 stars; one submission).

Conditions:
Episodic ataxia type 2 (EA2). Also called: ACETAZOLAMIDE-RESPONSIVE HEREDITARY PAROXYSMAL CEREBELLAR ATAXIA; ATAXIA, EPISODIC, WITH NYSTAGMUS; ATAXIA, FAMILIAL PAROXYSMAL; CEREBELLAR ATAXIA, PAROXYSMAL, ACETAZOLAMIDE-RESPONSIVE; CEREBELLOPATHY, HEREDITARY PAROXYSMAL; EPISODIC ATAXIA, NYSTAGMUS-ASSOCIATED. Identifiers: Orphanet 97, MedGen C1720416, MONDO:0007163, OMIM 108500.
Developmental and epileptic encephalopathy, 42 (DEE42A). Also called: Epileptic encephalopathy, early infantile, 42; DEVELOPMENTAL AND EPILEPTIC ENCEPHALOPATHY 42A; EPILEPTIC ENCEPHALOPATHY, EARLY INFANTILE, 42A. Identifiers: MedGen C4310716, MONDO:0014917, OMIM 617106.

Submission:

Labcorp Genetics (formerly Invitae), Labcorp
Classification: Uncertain significance for Developmental and epileptic encephalopathy, 42; Episodic ataxia type 2. Last evaluated: 2025-09-24. Review status: criteria provided, single submitter. Criteria: Invitae Variant Classification Sherloc (09022015). Collection method: clinical testing. Allele origin: germline.
Comment: This sequence change replaces valine, which is neutral and non-polar, with alanine, which is neutral and non-polar, at codon 1287 of the CACNA1A protein (p.Val1287Ala). This variant is not present in population databases (gnomAD no frequency). This variant has not been reported in the literature in individuals affected with CACNA1A-related conditions. Invitae Evidence Modeling of protein sequence and biophysical properties (such as structural, functional, and spatial information, amino acid conservation, physicochemical variation, residue mobility, and thermodynamic stability) indicates that this missense variant is expected to disrupt CACNA1A protein function with a positive predictive value of 95%. In summary, the available evidence is currently insufficient to determine the role of this variant in disease. Therefore, it has been classified as a Variant of Uncertain Significance.